The following is an entry in ClinVar:

NM_001271938.2(MEGF8):c.2951G>A (p.Arg984Gln)

Gene: MEGF8 (multiple EGF like domains 8; plus strand). Cytogenetic location: 19q13.2.
Variant type: single nucleotide variant.
Coding change: c.2951G>A on transcript NM_001271938.2 (MANE Select); coding-DNA position 2951, G replaced by A.
Protein change: p.Arg984Gln; replaces arginine 984 with glutamine.
Molecular consequence: missense variant.
Genome position (GRCh38, 1-based): chr19:42,351,524, G>A. VCF-style: chr19-42351524-G-A. GRCh37 (hg19) VCF-style: chr19-42855676-G-A.
Other names: c.2750G>A, p.Arg917Gln (NM_001410.3); short protein forms R917Q, R984Q.
Identifiers: ClinVar variation 3365435 (VCV003365435.1).

ClinVar aggregate classification (germline): Uncertain significance (1 of 4 stars; one submission).

gnomAD v4.1: 22 of 1,608,410 alleles (0.0014%); highest among the groups gnomAD compares: South Asian, 0.012%; no homozygotes.

Submission:

GeneDx
Classification: Uncertain significance. Last evaluated: 2023-12-12. Review status: criteria provided, single submitter. Criteria: GeneDx Variant Classification Process June 2021. Collection method: clinical testing. Allele origin: germline. Affected: yes.
Comment: In silico analysis supports that this missense variant does not alter protein structure/function; Has not been previously published as pathogenic or benign to our knowledge